The following is an entry in ClinVar:

ClinVar aggregate classification (germline): Uncertain significance (1 of 4 stars; one submission).

Conditions:
Peroxisome biogenesis disorder 2B (PBD2B). Identifiers: Orphanet 44, MedGen C3550234, MONDO:0008736, OMIM 202370.

Submission:

Labcorp Genetics (formerly Invitae), Labcorp
Classification: Uncertain significance for Peroxisome biogenesis disorder 2B. Last evaluated: 2025-05-26. Review status: criteria provided, single submitter. Criteria: Invitae Variant Classification Sherloc (09022015). Collection method: clinical testing. Allele origin: germline.
Comment: This sequence change replaces proline, which is neutral and non-polar, with leucine, which is neutral and non-polar, at codon 42 of the PEX5 protein (p.Pro42Leu). This variant is not present in population databases (gnomAD no frequency). This variant has not been reported in the literature in individuals affected with PEX5-related conditions. ClinVar contains an entry for this variant (Variation ID: 3725058). An algorithm developed to predict the effect of missense changes on protein structure and function (PolyPhen-2) suggests that this variant is likely to be tolerated. In summary, the available evidence is currently insufficient to determine the role of this variant in disease. Therefore, it has been classified as a Variant of Uncertain Significance.

NM_001351132.2(PEX5):c.125C>T (p.Pro42Leu)

Gene: PEX5 (peroxisomal biogenesis factor 5; plus strand). Cytogenetic location: 12p13.31.
Variant type: single nucleotide variant.
Coding change: c.125C>T on transcript NM_001351132.2 (MANE Select); coding-DNA position 125, C replaced by T.
Protein change: p.Pro42Leu; replaces proline 42 with leucine.
Molecular consequence: missense variant.
Genome position (GRCh38, 1-based): chr12:7,190,502, C>T. VCF-style: chr12-7190502-C-T. GRCh37 (hg19) VCF-style: chr12-7343098-C-T.
Other names: c.125C>T, p.Pro42Leu (NM_000319.5, NM_001131023.2, NM_001131024.2 and 22 more transcripts); short protein forms P42L.
Identifiers: ClinVar variation 3725058 (VCV003725058.2).